The following is an entry in ClinVar:

ClinVar aggregate classification (germline): Pathogenic. Review status: criteria provided, single submitter (1 of 4 stars). 2 submissions from 2 submitters: Pathogenic (1). 1 of the submissions does not count toward it. Last evaluated 2026-09-17.

Conditions:
Atypical hemolytic-uremic syndrome. Identifiers: Orphanet 2134, MedGen C2931788, MONDO:0016244.
Immunoglobulin-mediated membranoproliferative glomerulonephritis. Also called: Nephrotic syndrome, type 7; NEPHROTIC SYNDROME, TYPE 7, WITH MEMBRANOPROLIFERATIVE GLOMERULONEPHRITIS. Identifiers: Orphanet 329903, MedGen C3554330, MONDO:0014005, OMIM 615008.

Allele frequency attached by ClinVar (database versions not stated): gnomAD 0.00001; gnomAD exomes 0.00001; TOPMed 0.00001; ExAC 0.00002.
gnomAD v4.1: 4 of 1,613,866 alleles (0.00025%); highest among the groups gnomAD compares: East Asian, 0.0022%; no homozygotes.

Submissions (2):

Genomenon, Inc
Classification: Pathogenic for Atypical hemolytic-uremic syndrome. Last evaluated: 2026-09-17. Review status: criteria provided, single submitter. Criteria: Genomenon Sequence Variant Interpretation Standards - Updated. Collection method: curation. Allele origin: germline. Affected: yes.
Comment: DGKE p.Arg337Ter (c.1009C>T) is a nonsense variant that introduces a premature stop codon at amino acid position 337 and is predicted to result in a truncated or absent protein product. This variant has been observed in at least one proband affected with atypical hemolytic-uremic syndrome (PMID:28056875;34432141). It is absent or not present at a significant frequency in gnomAD. In conclusion, we classify DGKE p.Arg337Ter (c.1009C>T) as a pathogenic variant.

Bioscientia Institut fuer Medizinische Diagnostik GmbH, Sonic Healthcare
Classification: Pathogenic for Immunoglobulin-mediated membranoproliferative glomerulonephritis. Last evaluated: 2017-09-21. Review status: no assertion criteria provided. Collection method: clinical testing. Allele origin: germline. Affected: yes. Not counted in ClinVar's aggregate classification.

Literature cited by the submitters: PubMed 28056875 (cited by Genomenon, Inc); PubMed 34432141 (cited by Genomenon, Inc).

NM_003647.3(DGKE):c.1009C>T (p.Arg337Ter)

Gene: DGKE (diacylglycerol kinase epsilon; plus strand). Cytogenetic location: 17q22.
Variant type: single nucleotide variant.
Coding change: c.1009C>T on transcript NM_003647.3 (MANE Select); coding-DNA position 1009, C replaced by T.
Protein change: p.Arg337Ter; replaces arginine 337 with a stop codon.
Molecular consequence: nonsense.
Genome position (GRCh38, 1-based): chr17:56,848,816, C>T. VCF-style: chr17-56848816-C-T. GRCh37 (hg19) VCF-style: chr17-54926177-C-T.
Other names: short protein forms R337*.
Identifiers: ClinVar variation 522493 (VCV000522493.4), dbSNP rs762576212, ClinGen allele CA8663663.